The following is an entry in ClinVar:

ClinVar aggregate classification (germline): Uncertain significance (1 of 4 stars; one submission).

Allele frequency attached by ClinVar (database versions not stated): ExAC 0.00001.
gnomAD v4.1: 1 of 1,614,020 alleles (0.000062%); highest among the groups gnomAD compares: South Asian, 0.0011%; no homozygotes.

Submission:

GeneDx
Classification: Uncertain significance. Last evaluated: 2023-04-03. Review status: criteria provided, single submitter. Criteria: GeneDx Variant Classification Process June 2021. Collection method: clinical testing. Allele origin: germline. Affected: yes.
Comment: Not observed at significant frequency in large population cohorts (gnomAD); In silico analysis supports that this missense variant does not alter protein structure/function; Has not been previously published as pathogenic or benign to our knowledge

NM_020937.4(FANCM):c.3479C>A (p.Pro1160His)

Gene: FANCM (FA complementation group M; plus strand). Cytogenetic location: 14q21.2.
Variant type: single nucleotide variant.
Coding change: c.3479C>A on transcript NM_020937.4 (MANE Select); coding-DNA position 3479, C replaced by A.
Protein change: p.Pro1160His; replaces proline 1160 with histidine.
Molecular consequence: missense variant.
Genome position (GRCh38, 1-based): chr14:45,176,233, C>A. VCF-style: chr14-45176233-C-A. GRCh37 (hg19) VCF-style: chr14-45645436-C-A.
Other names: c.3401C>A, p.Pro1134His (NM_001308133.2); short protein forms P1134H, P1160H.
Identifiers: ClinVar variation 2662037 (VCV002662037.1), dbSNP rs749984772, ClinGen allele CA7169515.
Genomic context (GRCh38, chr14:45,176,233, plus strand): 5'-TTAATACAGAGTTCGACGATGTGAGTCTTTCACCCTTGAACAGTAAAAGCGAATCTTTAC[C>A]TGTGTCAGACAAAACTGCTATTAGTGAAACGCCTCTGGTCTCTCAGTTCTTAATTTCTGA-3'
Protein context (NP_065988.1, residues 1150-1170): SPLNSKSESL[Pro1160His]VSDKTAISET